The following is an entry in ClinVar:

ClinVar aggregate classification (germline): Uncertain significance (1 of 4 stars; one submission).

Conditions:
Hereditary cancer-predisposing syndrome. Also called: Hereditary Cancer Syndrome; Neoplastic Syndromes, Hereditary; Tumor predisposition; Hereditary neoplastic syndrome. Identifiers: Orphanet 140162, MedGen C0027672, MeSH D009386, MONDO:0015356.

Submission:

Ambry Genetics
Classification: Uncertain significance for Hereditary cancer-predisposing syndrome. Last evaluated: 2026-07-07. Review status: criteria provided, single submitter. Criteria: Ambry Variant Classification Scheme 2023. Collection method: clinical testing. Allele origin: germline.
Comment: The p.N1169I variant (also known as c.3506A>T), located in coding exon 28 of the EGFR gene, results from an A to T substitution at nucleotide position 3506. The asparagine at codon 1169 is replaced by isoleucine, an amino acid with dissimilar properties. This amino acid position is conserved. In addition, the in silico prediction for this alteration is inconclusive. Based on the available evidence, the clinical significance of this variant remains unclear.

NM_005228.5(EGFR):c.3506A>T (p.Asn1169Ile)

Gene: EGFR (epidermal growth factor receptor; plus strand). Cytogenetic location: 7p11.2.
Variant type: single nucleotide variant.
Coding change: c.3506A>T on transcript NM_005228.5 (MANE Select); coding-DNA position 3506, A replaced by T.
Protein change: p.Asn1169Ile; replaces asparagine 1169 with isoleucine.
Molecular consequence: missense variant.
Genome position (GRCh38, 1-based): chr7:55,205,490, A>T. VCF-style: chr7-55205490-A-T. GRCh37 (hg19) VCF-style: chr7-55273183-A-T.
Other names: c.3371A>T, p.Asn1124Ile (NM_001346899.2); c.3347A>T, p.Asn1116Ile (NM_001346900.2); c.2705A>T, p.Asn902Ile (NM_001346941.2); short protein forms N1116I, N902I, N1169I, N1124I.
Identifiers: ClinVar variation 5035781 (VCV005035781.1).